The following is an entry in ClinVar:

NC_000019.9:g.(?_39038863)_(39039070_?)dup

Gene: RYR1 (ryanodine receptor 1; plus strand). Cytogenetic location: 19q13.2.
Variant type: Duplication.
Identifiers: ClinVar variation 1066817 (VCV001066817.1).

ClinVar aggregate classification (germline): Likely pathogenic (1 of 4 stars; one submission).

Conditions:
RYR1-related disorder. Also called: RYR1-related condition; RYR1-related disorders. Identifiers: MedGen CN239331.

Submission:

Labcorp Genetics (formerly Invitae), Labcorp
Classification: Likely pathogenic for RYR1-related disorder. Last evaluated: 2020-07-14. Review status: criteria provided, single submitter. Criteria: Invitae Variant Classification Sherloc (09022015). Collection method: clinical testing. Allele origin: germline.
Comment: This variant results in a copy number gain of the genomic region encompassing exon 89 of the RYR1 gene. While the exact position of this variant cannot be determined from the data, sub-genic copy number gains are generally in tandem (PMID: 25640679). This variant is predicted to be out-of-frame, and may result in an absent or disrupted protein product. This variant has not been reported in the literature in individuals with RYR1-related conditions. Loss-of-function variants in RYR1 are known to be pathogenic (PMID: 20583297, 20839240, 23919265, 28818389). In summary, the currently available evidence indicates that the variant is pathogenic, but additional data are needed to prove that conclusively. Therefore, this variant has been classified as Likely Pathogenic.

Literature cited by the submitters: PubMed 25640679; PubMed 20583297; PubMed 20839240; PubMed 23919265; PubMed 28818389.